The following is an entry in ClinVar:

NM_000152.5(GAA):c.1076-1G>C

Gene: GAA (alpha glucosidase; plus strand). Cytogenetic location: 17q25.3.
Variant type: single nucleotide variant.
Coding change: c.1076-1G>C on transcript NM_000152.5 (MANE Select); the canonical splice acceptor site of the intron before coding-DNA position 1076, G replaced by C.
Molecular consequence: splice acceptor variant.
Genome position (GRCh38, 1-based): chr17:80,108,488, G>C. VCF-style: chr17-80108488-G-C. GRCh37 (hg19) VCF-style: chr17-78082287-G-C.
Other names: NM_000152.5:c.1076-1G>C; c.1076-1G>C (NM_001406741.1, NM_001406742.1, NM_001079803.3 and 1 more transcripts).
Identifiers: ClinVar variation 1353052 (VCV001353052.10), dbSNP rs1555600050, ClinGen allele CA401364879.

ClinVar aggregate classification (germline): Pathogenic. Review status: reviewed by expert panel (3 of 4 stars). 5 submissions from 5 submitters: Pathogenic (1). 4 of the submissions do not count toward it. Last evaluated 2023-03-07.

Conditions:
Glycogen storage disease, type II (IOPD). Also called: GLYCOGENOSIS, GENERALIZED, CARDIAC FORM; GSD II; Glycogen storage disease type 2; Acid maltase deficiency disease; Aglucosidase alfa; Deficiency of alpha-glucosidase. Identifiers: Orphanet 365, MedGen C0017921, MONDO:0009290, OMIM 232300.
GAA-related disorders.

Allele frequency attached by ClinVar (database versions not stated): TOPMed below 0.00001; gnomAD 0.00001.

Submissions (5):

ClinGen Lysosomal Storage Disorder Variant Curation Expert Panel
Classification: Pathogenic for Glycogen storage disease, type II. Last evaluated: 2023-03-07. Review status: reviewed by expert panel. Criteria: clingen_lsd_acmg_specifications_v2-1. Collection method: curation. Allele origin: germline. Inheritance: Autosomal recessive inheritance.
Comment: The NM_000152.5:c.1076-1G>C variant in GAA occurs within the canonical splice acceptor site of intron 6. RT-PCR of fibroblast RNA from a patient who is heterozygous for the variant revealed the inclusion of 79 bp of intron 6 and and 89 bp of intron 7 into the transcript, which is predicted to lead to a frameshift and nonsense mediated decay in a gene in which loss-of-function is an established disease mechanism (PMID: 16917947) (PVS1). Six patients have been reported including one who is homozygous for the variant with symptoms consistent with infantile onset Pompe disease and documentation of deficient GAA activity meeting the specifications of the ClinGen LD VCEP, two compound heterozygous patients with later onset symptoms and documentation of deficient GAA activity, and three patients with symptoms of Pompe disease and re[ported to have reduced GAA activity but for whom individual residual GAA activity was not provided or did not meet criteria (PMID: 16917947, 17616415) (PP4_Moderate). This variant was the second most common variant in a Spanish cohort with Pompe disease, accounting for 6/44 alleles (14%) (PMID: 17616415). One patient is compound heterozygous for the variant and another pathogenic variant in GAA, c.-32-13T>G, phase unknown, 0.5 points (PMID: 16917947), and one patient is homozygous for the variant, 0.5 points (PMID: 17616415). Another four patients are compound heterozygous for the variant and another GAA variant. The allelic data from these patients will be used in the assessment of the second variant and it not included here to avoid circular logic (PMID: 17616415). This variant is absent in gnomAD v2.1.1. (PM2_Supporting). There is a ClinVar entry for this variant (Variation ID: 1353052). In summary, this variant meets the criteria to be classified as pathogenic for Pompe disease. GAA-specific ACMG/AMP criteria met, as specified by the ClinGen LD VCEP (specifications version 2.0): PVS1, PP4_Moderate, PM3, PM2_Supporting.

Genomenon, Inc
Classification: Pathogenic for Glycogen storage disease, type II. Last evaluated: 2026-07-01. Review status: criteria provided, single submitter. Criteria: Genomenon Sequence Variant Interpretation Standards - Updated. Collection method: curation. Allele origin: germline. Affected: yes. Not counted in ClinVar's aggregate classification.
Comment: GAA c.1076-1G>C is a canonical splice variant affecting the acceptor splice site of intron 6. It is predicted to affect mRNA splicing, leading to a deleterious effect on the GAA protein. This variant has been observed in at least one proband with a GAA-related disorder (PMID:17616415;22704482). At least one splicing study has demonstrated that this variant results in aberrant splicing (PMID:16917947). It is absent or not present at a significant frequency in gnomAD. In conclusion, we classify GAA c.1076-1G>C as a pathogenic variant.

Blueprint Genetics
Classification: Pathogenic for GAA-related disorders. Last evaluated: 2022-06-24. Review status: criteria provided, single submitter. Criteria: ACMG Guidelines, 2015. Collection method: clinical testing. Allele origin: germline. Affected: yes. Observed: 1 variant allele. Not counted in ClinVar's aggregate classification.

Fulgent Genetics
Classification: Pathogenic for Glycogen storage disease, type II. Last evaluated: 2021-12-10. Review status: criteria provided, single submitter. Criteria: ACMG Guidelines, 2015. Collection method: clinical testing. Allele origin: unknown. Not counted in ClinVar's aggregate classification.

Labcorp Genetics (formerly Invitae), Labcorp
Classification: Pathogenic for Glycogen storage disease, type II. Last evaluated: 2021-10-09. Review status: criteria provided, single submitter. Criteria: Invitae Variant Classification Sherloc (09022015). Collection method: clinical testing. Allele origin: germline. Not counted in ClinVar's aggregate classification.
Comment: This sequence change affects an acceptor splice site in intron 6 of the GAA gene. RNA analysis indicates that disruption of this splice site induces altered splicing and likely results in the gain of 56 amino acid residue(s), but is expected to preserve the integrity of the reading-frame. This variant is not present in population databases (ExAC no frequency). Disruption of this splice site has been observed in individuals with glycogen storage disease type II (PMID: 16917947, 17616415). Algorithms developed to predict the effect of variants on protein structure and function are not available or were not evaluated for this variant. Experimental studies have shown that disruption of this splice site affects GAA function (PMID: 17616415). Studies have shown that disruption of this splice site results in the inclusion of intron 6 and intron 7 (PMID: 16917947). For these reasons, this variant has been classified as Pathogenic.

Literature cited by the submitters: PubMed 17616415 (cited by Genomenon, Inc and Labcorp Genetics (formerly Invitae), Labcorp); PubMed 22704482 (cited by Genomenon, Inc); PubMed 16917947 (cited by Genomenon, Inc and Labcorp Genetics (formerly Invitae), Labcorp).